The following is an entry in ClinVar:

ClinVar aggregate classification (germline): Likely benign (0 of 4 stars; one submission).

Conditions:
MYO1F-related disorder. Also called: MYO1F-related condition.

gnomAD v4.1: 8 of 1,613,990 alleles (0.0005%); highest among the groups gnomAD compares: Admixed American, 0.0017%; no homozygotes.

Submission:

PreventionGenetics, part of Exact Sciences
Classification: Likely benign for MYO1F-related condition. Last evaluated: 2019-05-03. Review status: no assertion criteria provided. Collection method: clinical testing. Allele origin: germline.
Comment: This variant is classified as likely benign based on ACMG/AMP sequence variant interpretation guidelines (Richards et al. 2015 PMID: 25741868, with internal and published modifications).

NM_012335.4(MYO1F):c.2250C>T (p.Pro750=)

Gene: MYO1F (myosin IF; minus strand). Cytogenetic location: 19p13.2.
Variant type: single nucleotide variant.
Coding change: c.2250C>T on transcript NM_012335.4 (MANE Select); coding-DNA position 2250, C replaced by T.
Protein change: p.Pro750=; no amino-acid change (proline 750 retained).
Molecular consequence: synonymous variant.
Genome position (GRCh38, 1-based): chr19:8,530,274, G>A on the plus strand (C>T on the coding strand, the complement: MYO1F is on the minus strand). VCF-style: chr19-8530274-G-A. GRCh37 (hg19) VCF-style: chr19-8595158-G-A.
Other names: c.2238C>T, p.Pro746= (NM_001348355.2).
Identifiers: ClinVar variation 3038154 (VCV003038154.2), dbSNP rs755770493, ClinGen allele CA9158944.